The following is an entry in ClinVar:

NM_001287491.2(TET3):c.20C>A (p.Pro7His)

Gene: TET3 (tet methylcytosine dioxygenase 3; plus strand). Cytogenetic location: 2p13.1.
Variant type: single nucleotide variant.
Coding change: c.20C>A on transcript NM_001287491.2 (MANE Select); coding-DNA position 20, C replaced by A.
Protein change: p.Pro7His; replaces proline 7 with histidine.
Molecular consequence: missense variant.
Genome position (GRCh38, 1-based): chr2:73,986,423, C>A. VCF-style: chr2-73986423-C-A. GRCh37 (hg19) VCF-style: chr2-74213550-C-A.
Other names: short protein forms P7H.
Identifiers: ClinVar variation 4994047 (VCV004994047.1).

ClinVar aggregate classification (germline): Uncertain significance (1 of 4 stars; one submission).

Conditions:
TET3-related disorder. Also called: TET3-Related Disease; TET3-related condition.

gnomAD v4.1: 2 of 1,232,074 alleles (0.00016%); highest among the groups gnomAD compares: Non-Finnish European, 0.0002%; no homozygotes.

Submission:

PreventionGenetics, part of Exact Sciences
Classification: Uncertain significance for TET3-related condition. Last evaluated: 2026-07-01. Review status: criteria provided, single submitter. Criteria: ACMG Guidelines, 2015. Collection method: clinical testing. Allele origin: germline.
Comment: The TET3 c.20C>A variant is predicted to result in the amino acid substitution p.Pro7His. To our knowledge, this variant has not been reported in the literature or in a large population database (gnomAD), indicating this variant is rare. At this time, the clinical significance of this variant is uncertain due to the absence of conclusive functional and genetic evidence.